The following is an entry in ClinVar:

ClinVar aggregate classification (germline): Uncertain significance (1 of 4 stars; one submission).

Conditions:
Ichthyosis linearis circumflexa. Identifiers: MedGen C0265962, MONDO:0043106, HP:0025810.

Allele frequency attached by ClinVar (database versions not stated): 1000 Genomes Project 30x 0.00016.
gnomAD v4.1: 9 of 1,612,624 alleles (0.00056%); highest among the groups gnomAD compares: East Asian, 0.02%; no homozygotes.

Submission:

Labcorp Genetics (formerly Invitae), Labcorp
Classification: Uncertain significance for Ichthyosis linearis circumflexa. Last evaluated: 2022-06-13. Review status: criteria provided, single submitter. Criteria: Invitae Variant Classification Sherloc (09022015). Collection method: clinical testing. Allele origin: germline.
Comment: This variant is present in population databases (rs369086301, gnomAD 0.006%). In summary, the available evidence is currently insufficient to determine the role of this variant in disease. Therefore, it has been classified as a Variant of Uncertain Significance. Algorithms developed to predict the effect of missense changes on protein structure and function are either unavailable or do not agree on the potential impact of this missense change (SIFT: "Deleterious"; PolyPhen-2: "Probably Damaging"; Align-GVGD: "Class C0"). This variant has not been reported in the literature in individuals affected with SPINK5-related conditions. This sequence change replaces alanine, which is neutral and non-polar, with proline, which is neutral and non-polar, at codon 259 of the SPINK5 protein (p.Ala259Pro).

NM_006846.4(SPINK5):c.775G>C (p.Ala259Pro)

Gene: SPINK5 (serine peptidase inhibitor Kazal type 5; plus strand). Cytogenetic location: 5q32.
Variant type: single nucleotide variant.
Coding change: c.775G>C on transcript NM_006846.4 (MANE Select); coding-DNA position 775, G replaced by C.
Protein change: p.Ala259Pro; replaces alanine 259 with proline.
Molecular consequence: missense variant.
Genome position (GRCh38, 1-based): chr5:148,094,462, G>C. VCF-style: chr5-148094462-G-C. GRCh37 (hg19) VCF-style: chr5-147474025-G-C.
Other names: c.775G>C, p.Ala259Pro (NM_001127698.2, NM_001127699.2); short protein forms A259P.
Identifiers: ClinVar variation 2163522 (VCV002163522.4), dbSNP rs369086301, ClinGen allele CA3495343.
Genomic context (GRCh38, chr5:148,094,462, plus strand): 5'-TGTACACGGGAGAGTGATCCAGTCCGTGGCCCTGACGGCAGGATGCATGGCAACAAATGT[G>C]CCCTGTGTGCTGAAATTTTGTGAGTATAGAAGTGGTTTTTTCAGAGTGATTCAAAGGGTG-3'
Protein context (NP_006837.2, residues 249-269): PDGRMHGNKC[Ala259Pro]LCAEIFKQRF